The following is an entry in ClinVar:

NM_001378615.1(CC2D2A):c.3365C>G (p.Pro1122Arg)

Genes: CC2D2A (coiled-coil and C2 domain containing 2A; plus strand), FBXL5 (F-box and leucine rich repeat protein 5; minus strand). Cytogenetic location: 4p15.32.
Variant type: single nucleotide variant.
Coding change: c.3365C>G on transcript NM_001378615.1 (MANE Select); coding-DNA position 3365, C replaced by G.
Protein change: p.Pro1122Arg; replaces proline 1122 with arginine.
Molecular consequence: missense variant.
Genome position (GRCh38, 1-based): chr4:15,567,753, C>G. VCF-style: chr4-15567753-C-G. GRCh37 (hg19) VCF-style: chr4-15569376-C-G.
Other names: c.3365C>G, p.Pro1122Arg (NM_001080522.2); c.3218C>G, p.Pro1073Arg (NM_001378617.1); short protein forms P1122R, P1073R.
Identifiers: ClinVar variation 347895 (VCV000347895.10), dbSNP rs886059182, ClinGen allele CA10617303.

ClinVar aggregate classification (germline): Likely pathogenic (1 of 4 stars; one submission).

Conditions:
Meckel-Gruber syndrome. Also called: Dysencephalia splachnocystica; DYSENCEPHALIA SPLANCHNOCYSTICA; GRUBER SYNDROME. Identifiers: Orphanet 564, MedGen C0265215, MONDO:0018921.
Joubert syndrome. Also called: JOUBERT-BOLTSHAUSER SYNDROME; Familial aplasia of the vermis. Identifiers: Orphanet 475, MedGen C5979921, MONDO:0018772.

Submission:

Labcorp Genetics (formerly Invitae), Labcorp
Classification: Likely pathogenic for Joubert syndrome; Meckel-Gruber syndrome. Last evaluated: 2024-03-16. Review status: criteria provided, single submitter. Criteria: Invitae Variant Classification Sherloc (09022015). Collection method: clinical testing. Allele origin: germline.
Comment: This sequence change replaces proline, which is neutral and non-polar, with arginine, which is basic and polar, at codon 1122 of the CC2D2A protein (p.Pro1122Arg). This variant is not present in population databases (gnomAD no frequency). This variant has not been reported in the literature in individuals affected with CC2D2A-related conditions. ClinVar contains an entry for this variant (Variation ID: 347895). Advanced modeling of protein sequence and biophysical properties (such as structural, functional, and spatial information, amino acid conservation, physicochemical variation, residue mobility, and thermodynamic stability) has been performed at Invitae for this missense variant, however the output from this modeling did not meet the statistical confidence thresholds required to predict the impact of this variant on CC2D2A protein function. This variant disrupts the p.Pro1122 amino acid residue in CC2D2A. Other variant(s) that disrupt this residue have been determined to be pathogenic (PMID: 18950740). This suggests that this residue is clinically significant, and that variants that disrupt this residue are likely to be disease-causing. In summary, the currently available evidence indicates that the variant is pathogenic, but additional data are needed to prove that conclusively. Therefore, this variant has been classified as Likely Pathogenic.

Literature cited by the submitters: PubMed 18950740.